The following is an entry in ClinVar:

ClinVar aggregate classification (germline): Uncertain significance. Review status: criteria provided, multiple submitters, no conflicts (2 of 4 stars). 2 submissions from 2 submitters: Uncertain significance (2). Last evaluated 2024-07-26.

Conditions:
Hereditary cancer-predisposing syndrome. Also called: Hereditary Cancer Syndrome; Hereditary neoplastic syndrome; Neoplastic Syndromes, Hereditary; Tumor predisposition. Identifiers: Orphanet 140162, MedGen C0027672, MeSH D009386, MONDO:0015356.

Submissions (2):

Color Diagnostics, LLC DBA Color Health
Classification: Uncertain significance for Hereditary cancer-predisposing syndrome. Last evaluated: 2024-07-26. Review status: criteria provided, single submitter. Criteria: ACMG Guidelines, 2015. Collection method: clinical testing. Allele origin: germline.
Comment: This variant causes a T to G nucleotide substitution at the -5 position of intron 36/62 of the ATM gene. Splice site prediction tools are inconclusive regarding the impact of this variant on RNA splicing. To our knowledge, RNA studies have not been reported for this variant. This variant has not been reported in individuals affected with ATM-related disorders in the literature. This variant has not been identified in the general population by the Genome Aggregation Database (gnomAD). The available evidence is insufficient to determine the role of this variant in disease conclusively. Therefore, this variant is classified as a Variant of Uncertain Significance.

Ambry Genetics
Classification: Uncertain significance for Hereditary cancer-predisposing syndrome. Last evaluated: 2020-10-15. Review status: criteria provided, single submitter. Criteria: Ambry Variant Classification Scheme 2023. Collection method: clinical testing. Allele origin: germline.
Comment: The c.5497-5T>G intronic variant results from a T to G substitution 5 nucleotides upstream from coding exon 36 in the ATM gene. This nucleotide position is highly conserved in available vertebrate species. In silico splice site analysis for this alteration is inconclusive. RNA studies have demonstrated that this alteration results in an incomplete splice defect; the clinical impact of this abnormal splicing is unknown at this time (Ambry internal data). Since supporting evidence is limited at this time, the clinical significance of this alteration remains unclear.

NM_000051.4(ATM):c.5497-5T>G

Gene: ATM (ATM serine/threonine kinase; plus strand). Cytogenetic location: 11q22.3.
Variant type: single nucleotide variant.
Coding change: c.5497-5T>G on transcript NM_000051.4 (MANE Select); 5 bases into the intron before coding-DNA position 5497, T replaced by G.
Molecular consequence: intron variant.
Genome position (GRCh38, 1-based): chr11:108,304,670, T>G. VCF-style: chr11-108304670-T-G. GRCh37 (hg19) VCF-style: chr11-108175397-T-G.
Other names: c.5497-5T>G (NM_001351834.2).
Identifiers: ClinVar variation 1747882 (VCV001747882.3), dbSNP rs2546986621, ClinGen allele CA2580083158.